The following is an entry in ClinVar:

NM_002224.4(ITPR3):c.4627G>A (p.Asp1543Asn)

Gene: ITPR3 (inositol 1,4,5-trisphosphate receptor type 3; plus strand). Cytogenetic location: 6p21.31.
Variant type: single nucleotide variant.
Coding change: c.4627G>A on transcript NM_002224.4 (MANE Select); coding-DNA position 4627, G replaced by A.
Protein change: p.Asp1543Asn; replaces aspartic acid 1543 with asparagine.
Molecular consequence: missense variant.
Genome position (GRCh38, 1-based): chr6:33,683,236, G>A. VCF-style: chr6-33683236-G-A. GRCh37 (hg19) VCF-style: chr6-33651013-G-A.
Other names: short protein forms D1543N.
Identifiers: ClinVar variation 4528061 (VCV004528061.1).
Genomic context (GRCh38, chr6:33,683,236, plus strand): 5'-GCACTCCAGCACTCCCTCCCTTCCCACCCAGCCAAGGGCCGGGCCATCTTGCTGCCCATG[G>A]ACCTGGATGCCCACATCAGCTCGATGCTCAGCAGTGGAGCCAGCTGTGCAGCTGCCGCCC-3'
Protein context (NP_002215.2, residues 1533-1553): AKGRAILLPM[Asp1543Asn]LDAHISSMLS

ClinVar aggregate classification (germline): Uncertain significance (1 of 4 stars; one submission).

Submission:

GeneDx
Classification: Uncertain significance. Last evaluated: 2025-05-05. Review status: criteria provided, single submitter. Criteria: GeneDx Variant Classification Process June 2021. Collection method: clinical testing. Allele origin: germline. Affected: yes.
Comment: Not observed at significant frequency in large population cohorts (gnomAD); In silico analysis supports that this missense variant has a deleterious effect on protein structure/function; Has not been previously published as pathogenic or benign to our knowledge